The following is an entry in ClinVar:

NM_000113.3(TOR1A):c.35T>G (p.Leu12Arg)

Genes: TOR1A (torsin family 1 member A; minus strand), LOC130002772 (ATAC-STARR-seq lymphoblastoid active region 29122; plus strand). Cytogenetic location: 9q34.11.
Variant type: single nucleotide variant.
Coding change: c.35T>G on transcript NM_000113.3 (MANE Select); coding-DNA position 35, T replaced by G.
Protein change: p.Leu12Arg; replaces leucine 12 with arginine.
Molecular consequence: missense variant.
Genome position (GRCh38, 1-based): chr9:129,824,051, A>C on the plus strand (T>G on the coding strand, the complement: TOR1A is on the minus strand). VCF-style: chr9-129824051-A-C. GRCh37 (hg19) VCF-style: chr9-132586330-A-C.
Other names: short protein forms L12R.
Identifiers: ClinVar variation 2659578 (VCV002659578.24), dbSNP rs1399161715, ClinGen allele CA375179010.
Genomic context (GRCh38, chr9:129,824,051, plus strand): 5'-CCGGCCAGGGCCAGTCCCAGGCTGATGGGCTCCACCGCCTGCACCACGGACGGCGCCAGC[A>C]GCAGCAGGCCCAGCACGGCCCGGCCCAGCTTCATGCCCGGACCCGCGCCACCCTGCTTGT-3'
Protein context (NP_000104.1, residues 2-22): KLGRAVLGLL[Leu12Arg]LAPSVVQAVE

ClinVar aggregate classification (germline): Uncertain significance (1 of 4 stars; one submission).

Submission:

CeGaT Center for Human Genetics Tuebingen
Classification: Uncertain significance. Last evaluated: 2023-01-01. Review status: criteria provided, single submitter. Criteria: CeGaT Center For Human Genetics Tuebingen Variant Classification Criteria Version 2. Collection method: clinical testing. Allele origin: germline. Affected: yes. Observed: 1 variant allele.
Comment: TOR1A: PM2